The following is an entry in ClinVar:

NM_000094.4(COL7A1):c.5499C>T (p.Gly1833=)

Gene: COL7A1 (collagen type VII alpha 1 chain; minus strand). Cytogenetic location: 3p21.31.
Variant type: single nucleotide variant.
Coding change: c.5499C>T on transcript NM_000094.4 (MANE Select); coding-DNA position 5499, C replaced by T.
Protein change: p.Gly1833=; no amino-acid change (glycine 1833 retained).
Molecular consequence: synonymous variant.
Genome position (GRCh38, 1-based): chr3:48,578,354, G>A on the plus strand (C>T on the coding strand, the complement: COL7A1 is on the minus strand). VCF-style: chr3-48578354-G-A. GRCh37 (hg19) VCF-style: chr3-48615787-G-A.
Identifiers: ClinVar variation 372340 (VCV000372340.33), dbSNP rs758886532, ClinGen allele CA2379468.

ClinVar aggregate classification (germline): Pathogenic. Review status: criteria provided, multiple submitters, no conflicts (2 of 4 stars). 6 submissions from 6 submitters: Pathogenic (6). Last evaluated 2024-05-28.

Conditions:
Dominant dystrophic epidermolysis bullosa with absence of skin. Also called: EPIDERMOLYSIS BULLOSA DYSTROPHICA, BART TYPE; EPIDERMOLYSIS BULLOSA WITH CONGENITAL LOCALIZED ABSENCE OF SKIN AND DEFORMITY OF NAILS. Identifiers: MedGen C0268371, MONDO:0007557, OMIM 132000.
Transient bullous dermolysis of the newborn (TBDN). Also called: DYSTROPHIC EPIDERMOLYSIS BULLOSA, NEONATAL; EPIDERMOLYSIS BULLOSA DYSTROPHICA, NEONATAL FORM. Identifiers: Orphanet 79411, MedGen C1851573, MONDO:0007548, OMIM 131705.
Pretibial dystrophic epidermolysis bullosa. Also called: Pretibial blistering; Pretibial epidermolysis bullosa; EPIDERMOLYSIS BULLOSA DYSTROPHICA, PRETIBIAL. Identifiers: Orphanet 79410, MedGen C0432321, MONDO:0007552, OMIM 131850, HP:0012221.
Recessive dystrophic epidermolysis bullosa (RDEB). Also called: DYSTROPHIC EPIDERMOLYSIS BULLOSA, AUTOSOMAL RECESSIVE; EPIDERMOLYSIS BULLOSA DYSTROPHICA, HALLOPEAU-SIEMENS TYPE; Hallopeau-Siemens Disease; EPIDERMOLYSIS BULLOSA DYSTROPHICA, GENERALIZED SEVERE, AUTOSOMAL RECESSIVE; epidermolysis bullosa dystrophica, autosomal recessive; severe generalized recessive dystrophic epidermolysis bullosa. Identifiers: Orphanet 79408, Orphanet 79409, MedGen C0079474, MONDO:0009179, OMIM 226600.
Epidermolysis bullosa pruriginosa. Also called: DEB, PRURIGINOSA; DYSTROPHIC EPIDERMOLYSIS BULLOSA PRURIGINOSA. Identifiers: Orphanet 89843, MedGen C1275114, MONDO:0011398, OMIM 604129.
Nonsyndromic congenital nail disorder 8. Also called: TOENAIL DYSTROPHY, ISOLATED. Identifiers: MedGen C1843761, MONDO:0011852, OMIM 607523.
Generalized dominant dystrophic epidermolysis bullosa (DDEB). Also called: DDEB, generalized; DDEB-gen; DYSTROPHIC EPIDERMOLYSIS BULLOSA, AUTOSOMAL DOMINANT; Epidermolysis bullosa dystrophica, autosomal dominant; Dominant DEB (DDEB). Identifiers: Orphanet 231568, MedGen C0432322, MONDO:0007549, OMIM 131750.
Epidermolysis bullosa dystrophica. Also called: Dystrophic epidermolysis bullosa, Hallopeau-Siemens type (formerly); Dystrophic epidermolysis bullosa. Identifiers: Orphanet 303, MedGen C0079294, MONDO:0006543.

Allele frequency attached by ClinVar (database versions not stated): TOPMed 0.00001; gnomAD exomes 0.00002 and 0.00005; ExAC 0.00003; gnomAD 0.00003.
gnomAD v4.1: 39 of 1,613,000 alleles (0.0024%); highest among the groups gnomAD compares: East Asian, 0.0045%; no homozygotes.

Submissions (6):

Fulgent Genetics
Classification: Pathogenic for Transient bullous dermolysis of the newborn; Generalized dominant dystrophic epidermolysis bullosa; Pretibial dystrophic epidermolysis bullosa; Dominant dystrophic epidermolysis bullosa with absence of skin; Recessive dystrophic epidermolysis bullosa; Epidermolysis bullosa pruriginosa; Nonsyndromic congenital nail disorder 8. Last evaluated: 2024-05-28. Review status: criteria provided, single submitter. Criteria: ACMG Guidelines, 2015. Collection method: clinical testing. Allele origin: germline.

Natera, Inc.
Classification: Pathogenic for Dystrophic epidermolysis bullosa. Last evaluated: 2024-05-01. Review status: criteria provided, single submitter. Criteria: Natera Variant Classification Schema (03/2026). Collection method: clinical testing. Allele origin: germline.
Comment: The c.5499C>T variant in COL7A1 is a synonymous variant that does not alter the encoded amino acid at position 1833 (p.G1833=). This variant is rare in the general population with a frequency below the threshold expected for the associated phenotype(s). This variant has been observed in one or more individuals affected with the associated recessive disease, as either homozygous or compound heterozygous with a second variant (PMID: 19681861, 30280950, 32484238, 35979658, 36578049). Functional studies show that this variant may disrupt protein function (PMID: 19681861). Computational prediction algorithms indicate this variant is likely to affect gene or protein function. Given the available evidence, this variant is classified as Pathogenic.

Labcorp Genetics (formerly Invitae), Labcorp
Classification: Pathogenic. Last evaluated: 2023-12-02. Review status: criteria provided, single submitter. Criteria: Invitae Variant Classification Sherloc (09022015). Collection method: clinical testing. Allele origin: germline.
Comment: This sequence change affects codon 1833 of the COL7A1 mRNA. It is a 'silent' change, meaning that it does not change the encoded amino acid sequence of the COL7A1 protein. RNA analysis indicates that this variant induces altered splicing and may result in an absent or disrupted protein product. This variant is present in population databases (rs758886532, gnomAD 0.04%). This variant has been observed in individual(s) with autosomal recessive dystrophic epidermolysis bullosa (PMID: 19681861, 30280950). In at least one individual the data is consistent with being in trans (on the opposite chromosome) from a pathogenic variant. ClinVar contains an entry for this variant (Variation ID: 372340). Studies have shown that this variant results in aberrant splicing of exon 64 and introduces a premature termination codon (PMID: 19681861). The resulting mRNA is expected to undergo nonsense-mediated decay. For these reasons, this variant has been classified as Pathogenic.

GeneDx
Classification: Pathogenic. Last evaluated: 2022-08-03. Review status: criteria provided, single submitter. Criteria: GeneDx Variant Classification Process June 2021. Collection method: clinical testing. Allele origin: germline. Affected: yes.
Comment: Published studies demonstrate the c.5499 C>T variant creates a cryptic splice donor site in exon 64, which alters gene splicing, removes 35 nucleotides and creates a frameshift and a premature stop codon 25 amino acids upstream, denoted p.E1834RfsX2. Therefore, c.5499 C>T represents a non-canonical splice site variant demonstrated to result in loss-of-function in a gene for which loss-of-function is a known mechanism of disease; This variant is associated with the following publications: (PMID: 19681861, 30280950, 32484238)

Center for Research in Genodermatoses and Epidermolysis Bullosa, University of Buenos Aires
Classification: Pathogenic for Recessive dystrophic epidermolysis bullosa. Last evaluated: 2022-03-14. Review status: criteria provided, single submitter. Criteria: ACMG Guidelines, 2015. Collection method: clinical testing. Allele origin: paternal. Affected: yes. Observed: 1 variant allele, 1 compound heterozygote.

Biomedical Innovation Departament, CIEMAT
Classification: Pathogenic for Dystrophic epidermolysis bullosa. Last evaluated: 2017-12-21. Review status: criteria provided, single submitter. Criteria: ACMG Guidelines, 2015. Collection method: research. Allele origin: germline. Affected: yes. Observed: 2 variant alleles.

Literature cited by the submitters: PubMed 19681861 (cited by 4 submitters); PubMed 30280950 (cited by Natera, Inc. and Labcorp Genetics (formerly Invitae), Labcorp); PubMed 32484238 (cited by Natera, Inc.); PubMed 35979658 (cited by Natera, Inc. and Center for Research in Genodermatoses and Epidermolysis Bullosa, University of Buenos Aires); PubMed 36578049 (cited by Natera, Inc.).